The following is an entry in ClinVar:

ClinVar aggregate classification (germline): Uncertain significance. Review status: criteria provided, multiple submitters, no conflicts (2 of 4 stars). 2 submissions from 2 submitters: Uncertain significance (2). Last evaluated 2025-08-20.

Conditions:
Inborn genetic diseases. Identifiers: MedGen C0950123, MeSH D030342.

Allele frequency attached by ClinVar (database versions not stated): ExAC 0.00003; gnomAD 0.00003; gnomAD exomes 0.00004; TOPMed 0.00004.
gnomAD v4.1: 63 of 1,613,560 alleles (0.0039%); highest among the groups gnomAD compares: Non-Finnish European, 0.0053%; no homozygotes.

Submissions (2):

Ambry Genetics
Classification: Uncertain significance for Inborn genetic diseases. Last evaluated: 2025-08-20. Review status: criteria provided, single submitter. Criteria: Ambry Variant Classification Scheme 2023. Collection method: clinical testing. Allele origin: germline.

Labcorp Genetics (formerly Invitae), Labcorp
Classification: Uncertain significance. Last evaluated: 2022-03-31. Review status: criteria provided, single submitter. Criteria: Invitae Variant Classification Sherloc (09022015). Collection method: clinical testing. Allele origin: germline.
Comment: This variant is present in population databases (rs765078943, gnomAD 0.005%). In summary, the available evidence is currently insufficient to determine the role of this variant in disease. Therefore, it has been classified as a Variant of Uncertain Significance. Algorithms developed to predict the effect of missense changes on protein structure and function are either unavailable or do not agree on the potential impact of this missense change (SIFT: "Deleterious"; PolyPhen-2: "Probably Damaging"; Align-GVGD: "Class C0"). This missense change has been observed in individual(s) with clinical features of TMEM38B and/or osteogenesis imperfecta (Invitae; Inviate). In at least one individual the data is consistent with being in trans (on the opposite chromosome) from a pathogenic variant. This sequence change replaces leucine, which is neutral and non-polar, with proline, which is neutral and non-polar, at codon 112 of the TMEM38B protein (p.Leu112Pro).

NM_018112.3(TMEM38B):c.335T>C (p.Leu112Pro)

Gene: TMEM38B (transmembrane protein 38B; plus strand). Cytogenetic location: 9q31.2.
Variant type: single nucleotide variant.
Coding change: c.335T>C on transcript NM_018112.3 (MANE Select); coding-DNA position 335, T replaced by C.
Protein change: p.Leu112Pro; replaces leucine 112 with proline.
Molecular consequence: missense variant.
Genome position (GRCh38, 1-based): chr9:105,721,602, T>C. VCF-style: chr9-105721602-T-C. GRCh37 (hg19) VCF-style: chr9-108483883-T-C.
Other names: c.335T>C (NM_018112.1); short protein forms L112P.
Identifiers: ClinVar variation 2082548 (VCV002082548.7), dbSNP rs765078943, ClinGen allele CA5170847.